The following is an entry in ClinVar:

ClinVar aggregate classification (germline): Likely pathogenic (1 of 4 stars; one submission).

Submission:

GeneDx
Classification: Likely pathogenic. Last evaluated: 2014-03-19. Review status: criteria provided, single submitter. Criteria: GeneDx Variant Classification (06012015). Collection method: clinical testing. Allele origin: germline. Affected: yes.
Comment: The c.213_215delTGT variant has been published as a mutation in a patient with GAII and ETF:QO deficiency using alternate nomenclature (Wen et al., 2013). This variant was not observed in approximately 6,500 individuals of European and African American ancestry in the NHLBI Exome Sequencing Project. The deletion of 3 nucleotides results in the loss of a single Valine residue at codon 72, denoted p.Val72del. The Valine at position 72 is a highly conserved residue in vertebrates and is located in the flavin adenine dinucleotide (FAD) region of the protein (Wen et al., 2013). However, whether or not the loss of a single residue affects the structure/function of the protein is not known without functional studies. Therefore, the c.213_215del variant is a strong candidate for a pathogenic mutation, however the possibility that it is a benign variant cannot be excluded. The variant is found in ETFDH panel(s).

NM_004453.4(ETFDH):c.210TGT[1] (p.Val72del)

Gene: ETFDH (electron transfer flavoprotein dehydrogenase; plus strand). Cytogenetic location: 4q32.1.
Variant type: Microsatellite.
Coding change: c.210TGT[1] on transcript NM_004453.4 (MANE Select); one copy of the 3-base unit TGT starting at c.210; the reference has two copies in a row; one copy, 3 bases deleted.
Protein change: p.Val72del; deletes valine 72.
Molecular consequence: inframe deletion.
Genome position (GRCh38, 1-based): chr4:158,682,232-158,682,234, TGT deleted; deleting any 3 consecutive bases within chr4:158,682,229-158,682,234 gives the same sequence; the position shown is the placement nearest the transcript's 3' end. VCF-style (leftmost placement, unchanged base first): chr4-158682228-ATGT-A. GRCh37 (hg19) VCF-style: chr4-159603380-ATGT-A.
Other names: c.69TGT[1], p.Val25del (NM_001281737.2); c.27TGT[1], p.Val11del (NM_001281738.1); short protein forms V72del, V11del, V25del.
Identifiers: ClinVar variation 203731 (VCV000203731.1), dbSNP rs796051966, ClinGen allele CA312556.